The following is an entry in ClinVar:

ClinVar aggregate classification (germline): Uncertain significance (1 of 4 stars; one submission).

Submission:

Labcorp Genetics (formerly Invitae), Labcorp
Classification: Uncertain significance. Last evaluated: 2023-12-09. Review status: criteria provided, single submitter. Criteria: Invitae Variant Classification Sherloc (09022015). Collection method: clinical testing. Allele origin: germline.
Comment: This sequence change replaces leucine, which is neutral and non-polar, with phenylalanine, which is neutral and non-polar, at codon 65 of the SH3KBP1 protein (p.Leu65Phe). This variant is not present in population databases (gnomAD no frequency). This variant has not been reported in the literature in individuals affected with SH3KBP1-related conditions. Advanced modeling of protein sequence and biophysical properties (such as structural, functional, and spatial information, amino acid conservation, physicochemical variation, residue mobility, and thermodynamic stability) performed at Invitae indicates that this missense variant is not expected to disrupt SH3KBP1 protein function with a negative predictive value of 80%. In summary, the available evidence is currently insufficient to determine the role of this variant in disease. Therefore, it has been classified as a Variant of Uncertain Significance.

NM_031892.3(SH3KBP1):c.193C>T (p.Leu65Phe)

Gene: SH3KBP1 (SH3 domain containing kinase binding protein 1; minus strand). Cytogenetic location: Xp22.12.
Variant type: single nucleotide variant.
Coding change: c.193C>T on transcript NM_031892.3 (MANE Select); coding-DNA position 193, C replaced by T.
Protein change: p.Leu65Phe; replaces leucine 65 with phenylalanine.
Molecular consequence: missense variant.
Genome position (GRCh38, 1-based): chrX:19,746,411, G>A on the plus strand (C>T on the coding strand, the complement: SH3KBP1 is on the minus strand). VCF-style: chrX-19746411-G-A. GRCh37 (hg19) VCF-style: chrX-19764529-G-A.
Other names: c.82C>T, p.Leu28Phe (NM_001024666.3); c.193C>T, p.Leu65Phe (NM_001353890.2, NM_001353891.2, NM_001353892.2 and 2 more transcripts); c.16C>T, p.Leu6Phe (NM_001353893.2, NM_001353894.2, NM_001353895.2 and 1 more transcripts); short protein forms L6F, L28F, L65F.
Identifiers: ClinVar variation 2813562 (VCV002813562.3), dbSNP rs2521917439, ClinGen allele CA412496710.